The following is an entry in ClinVar:

NM_133379.5(TTN):c.13622A>G (p.Lys4541Arg)

Gene: TTN (titin; minus strand). Cytogenetic location: 2q31.2.
Variant type: single nucleotide variant.
Coding change: c.13622A>G on transcript NM_133379.5; coding-DNA position 13622, A replaced by G.
Protein change: p.Lys4541Arg; replaces lysine 4541 with arginine.
Molecular consequence: missense variant. On other transcripts: intron variant (6).
Genome position (GRCh38, 1-based): chr2:178,748,778, T>C on the plus strand (A>G on the coding strand, the complement: TTN is on the minus strand). VCF-style: chr2-178748778-T-C. GRCh37 (hg19) VCF-style: chr2-179613505-T-C.
Other names: p.K4541R:AAA>AGA; c.10222+4346A>G (NM_003319.4); c.10798+4346A>G (NM_133437.4); c.10597+4346A>G (NM_133432.3); c.10360+4346A>G (NM_133378.4, NM_001256850.1); c.11311+4346A>G (NM_001267550.2); c.13622A>G (NM_133379.4); short protein forms K4541R.
Identifiers: ClinVar variation 203201 (VCV000203201.15), dbSNP rs147073497, ClinGen allele CA311662.

ClinVar aggregate classification (germline): Conflicting classifications of pathogenicity. Review status: criteria provided, conflicting classifications (1 of 4 stars). 2 submissions from 2 submitters: Uncertain significance (1); Likely benign (1). Last evaluated 2026-01-05.

Conditions:
TTN-related disorder. Also called: TTN-related condition; TTN-related disease; TTN-related disorders.

Allele frequency attached by ClinVar (database versions not stated): gnomAD 0.00004 and 0.00005; gnomAD exomes 0.00005 and 0.00006; TOPMed 0.00006; ExAC 0.00007; ESP Exome Variant Server 0.00008.
gnomAD v4.1: 100 of 1,612,338 alleles (0.0062%); highest among the groups gnomAD compares: Non-Finnish European, 0.0082%; no homozygotes.

Submissions (2):

PreventionGenetics, part of Exact Sciences
Classification: Uncertain significance for TTN-related condition. Last evaluated: 2026-01-05. Review status: criteria provided, single submitter. Criteria: ACMG Guidelines, 2015. Collection method: clinical testing. Allele origin: germline.
Comment: The TTN c.13622A>G variant is predicted to result in the amino acid substitution p.Lys4541Arg. This variant is also referred to as c.13622A>G (p.Lys4541Arg) in the Novex-3 transcript NM_133379. This variant is located in exon 46 of the Novex-3 transcript (minor small cardiac isoform) which is the last exon of this transcript. This exon is not included in any other TTN transcripts (principle cardiac or skeletal muscle isoforms). To our knowledge, this variant has not been reported in the literature. This variant is reported in 0.011% of alleles in individuals of European (Non-Finnish) descent in gnomAD. At this time, the clinical significance of this variant is uncertain due to the absence of conclusive functional and genetic evidence.

GeneDx
Classification: Likely benign. Last evaluated: 2019-07-11. Review status: criteria provided, single submitter. Criteria: GeneDx Variant Classification Process June 2021. Collection method: clinical testing. Allele origin: germline. Affected: yes.